The following is an entry in ClinVar:

NM_001009999.3(KDM1A):c.2590G>A (p.Ala864Thr)

Gene: KDM1A (lysine demethylase 1A; plus strand). Cytogenetic location: 1p36.12.
Variant type: single nucleotide variant.
Coding change: c.2590G>A on transcript NM_001009999.3 (MANE Select); coding-DNA position 2590, G replaced by A.
Protein change: p.Ala864Thr; replaces alanine 864 with threonine.
Molecular consequence: missense variant. On other transcripts: 3 prime UTR variant (1).
Genome position (GRCh38, 1-based): chr1:23,083,323, G>A. VCF-style: chr1-23083323-G-A. GRCh37 (hg19) VCF-style: chr1-23409816-G-A.
Other names: c.2536G>A, p.Ala846Thr (NM_001363654.2); c.2596G>A, p.Ala866Thr (NM_001410762.1); c.*838G>A (NM_001410763.1); c.2518G>A, p.Ala840Thr (NM_015013.4); short protein forms A864T, A866T, A840T, A846T.
Identifiers: ClinVar variation 4042069 (VCV004042069.1).

ClinVar aggregate classification (germline): Uncertain significance (1 of 4 stars; one submission).

Conditions:
Inborn genetic diseases. Identifiers: MedGen C0950123, MeSH D030342.

gnomAD v4.1: 1 of 1,613,792 alleles (0.000062%); highest among the groups gnomAD compares: African/African-American, 0.0013%; no homozygotes.

Submission:

Ambry Genetics
Classification: Uncertain significance for Inborn genetic diseases. Last evaluated: 2025-03-28. Review status: criteria provided, single submitter. Criteria: Ambry Variant Classification Scheme 2023. Collection method: clinical testing. Allele origin: germline.
Comment: The p.A864T variant (also known as c.2590G>A), located in coding exon 21 of the KDM1A gene, results from a G to A substitution at nucleotide position 2590. The alanine at codon 864 is replaced by threonine, an amino acid with similar properties. This amino acid position is conserved. In addition, this alteration is predicted to be tolerated by in silico analysis. Based on the available evidence, the clinical significance of this variant remains unclear.